The following is an entry in ClinVar:

NM_001017995.3(SH3PXD2B):c.280C>T (p.Arg94Cys)

Gene: SH3PXD2B (SH3 and PX domains 2B; minus strand). Cytogenetic location: 5q35.1.
Variant type: single nucleotide variant.
Coding change: c.280C>T on transcript NM_001017995.3 (MANE Select); coding-DNA position 280, C replaced by T.
Protein change: p.Arg94Cys; replaces arginine 94 with cysteine.
Molecular consequence: missense variant.
Genome position (GRCh38, 1-based): chr5:172,394,592, G>A on the plus strand (C>T on the coding strand, the complement: SH3PXD2B is on the minus strand). VCF-style: chr5-172394592-G-A. GRCh37 (hg19) VCF-style: chr5-171821596-G-A.
Other names: c.280C>T, p.Arg94Cys (NM_001308175.2); short protein forms R94C.
Identifiers: ClinVar variation 2303771 (VCV002303771.2), dbSNP rs773170741, ClinGen allele CA3561610.

ClinVar aggregate classification (germline): Uncertain significance (1 of 4 stars; one submission).

Conditions:
Inborn genetic diseases. Identifiers: MedGen C0950123, MeSH D030342.

Allele frequency attached by ClinVar (database versions not stated): gnomAD exomes below 0.00001; ExAC 0.00002.
gnomAD v4.1: 5 of 1,614,146 alleles (0.00031%); highest among the groups gnomAD compares: Non-Finnish European, 0.00034%; no homozygotes.

Submission:

Ambry Genetics
Classification: Uncertain significance for Inborn genetic diseases. Last evaluated: 2022-09-02. Review status: criteria provided, single submitter. Criteria: Ambry Variant Classification Scheme 2023. Collection method: clinical testing. Allele origin: germline.
Comment: The c.280C>T (p.R94C) alteration is located in exon 4 (coding exon 4) of the SH3PXD2B gene. This alteration results from a C to T substitution at nucleotide position 280, causing the arginine (R) at amino acid position 94 to be replaced by a cysteine (C). Based on data from gnomAD, the T allele has an overall frequency of 0.001% (2/251330) total alleles studied. The highest observed frequency was 0.002% (2/113670) of European (non-Finnish) alleles. Another alteration at the same codon, c.280C>G (p.R94G), has been detected in a homozygous state in multiple patients with clinical features consistent with Frank-ter Haar syndrome (Maddirevula, 2018; Massadeh, 2022). This amino acid position is highly conserved in available vertebrate species. The in silico prediction for this alteration is inconclusive. Based on insufficient or conflicting evidence, the clinical significance of this alteration remains unclear.

Literature cited by the submitters: PubMed 29620724; PubMed 35205281.